The following is an entry in ClinVar:

NC_000002.11:g.(?_32460450)_(32460657_?)del

Gene: NLRC4 (NLR family CARD domain containing 4; minus strand). Cytogenetic location: 2p22.3.
Variant type: Deletion.
Identifiers: ClinVar variation 3247409 (VCV003247409.1).

ClinVar aggregate classification (germline): Uncertain significance (1 of 4 stars; one submission).

Conditions:
Periodic fever-infantile enterocolitis-autoinflammatory syndrome. Also called: Autoinflammation with infantile enterocolitis. Identifiers: Orphanet 436166, MedGen C4015067, MONDO:0014472, OMIM 616050.
Familial cold autoinflammatory syndrome 4 (FCAS4). Identifiers: Orphanet 47045, Orphanet 576349, MedGen C4015276, MONDO:0014498, OMIM 616115.

Submission:

Labcorp Genetics (formerly Invitae), Labcorp
Classification: Uncertain significance for Periodic fever-infantile enterocolitis-autoinflammatory syndrome; Familial cold autoinflammatory syndrome 4. Last evaluated: 2023-12-28. Review status: criteria provided, single submitter. Criteria: Invitae Variant Classification Sherloc (09022015). Collection method: clinical testing. Allele origin: unknown.
Comment: This variant is a gross deletion of the genomic region encompassing exon(s) 8 of the NLRC4 gene. This variant would be expected to be in-frame, preserving the integrity of the reading frame. This variant has not been reported in the literature in individuals affected with NLRC4-related conditions. Experimental studies and prediction algorithms are not available or were not evaluated, and the functional significance of this variant is currently unknown. In summary, the available evidence is currently insufficient to determine the role of this variant in disease. Therefore, it has been classified as a Variant of Uncertain Significance.